The following is an entry in ClinVar:

ClinVar aggregate classification (germline): Pathogenic (1 of 4 stars; one submission).

Conditions:
Inborn genetic diseases. Identifiers: MedGen C0950123, MeSH D030342.

Submission:

Ambry Genetics
Classification: Pathogenic for Inborn genetic diseases. Last evaluated: 2023-12-14. Review status: criteria provided, single submitter. Criteria: Ambry Variant Classification Scheme 2023. Collection method: clinical testing. Allele origin: germline.
Comment: The c.3910_3911dupTC (p.S1305Pfs*14) alteration, located in exon 9 (coding exon 7) of the ANKRD11 gene, consists of a duplication of TC at position 3910, causing a translational frameshift with a predicted alternate stop codon after 14 amino acids. This alteration is expected to result in loss of function by premature protein truncation or nonsense-mediated mRNA decay. This variant was not reported in population-based cohorts in the Genome Aggregation Database (gnomAD). Based on the available evidence, this alteration is classified as pathogenic.

NM_013275.6(ANKRD11):c.3910_3911dup (p.Ser1305fs)

Gene: ANKRD11 (ankyrin repeat domain containing 11; minus strand). Cytogenetic location: 16q24.3.
Variant type: Microsatellite.
Coding change: c.3910_3911dup on transcript NM_013275.6 (MANE Select); coding-DNA positions 3910 to 3911, 2 bases duplicated (TC; older notation c.3910_3911dupTC).
Protein change: p.Ser1305fs; shifts the reading frame from serine 1305.
Molecular consequence: frameshift variant.
Genome position (GRCh38, 1-based): chr16:89,282,631-89,282,632, GA duplicated on the plus strand (TC on the coding strand, the reverse complement: ANKRD11 is on the minus strand); duplicating any 2 consecutive bases within chr16:89,282,631-89,282,634 gives the same sequence; the c. name uses the placement nearest the transcript's 3' end. VCF-style (leftmost placement, unchanged base first): chr16-89282630-G-GGA. GRCh37 (hg19) VCF-style: chr16-89349038-G-GGA.
Other names: c.3910_3911dup, p.Ser1305fs (NM_001256182.2, NM_001256183.2); short protein forms S1305fs.
Identifiers: ClinVar variation 3122290 (VCV003122290.1), dbSNP rs2544235061, ClinGen allele CA2825002459.
Genomic context (GRCh38, chr16:89,282,630, plus strand): 5'-AGAGACCTCCAGGAAGGCAGTCAGCCCCGGCTCCTGCCCTCGGTCCGTGAAGCTGTCAGA[G>GGA]GAGACCTCGCTGATTTTATCGTTGGAGTCTTCTCTGTACTCATGGAGAGCCTCTTCTTCC-3'